The following is an entry in ClinVar:

ClinVar aggregate classification (germline): Conflicting classifications of pathogenicity. Review status: criteria provided, conflicting classifications (1 of 4 stars). 4 submissions from 4 submitters: Pathogenic (1); Likely pathogenic (1); Uncertain significance (2). Last evaluated 2026-01-18.

Conditions:
Glycine encephalopathy. Also called: Non-ketotic hyperglycinemia; Nonketotic hyperglycinemia. Identifiers: Orphanet 407, MedGen C0751748, MONDO:0011612, HP:0008288.

Allele frequency attached by ClinVar (database versions not stated): gnomAD exomes below 0.00001; gnomAD 0.00001 and 0.00002; TOPMed 0.00001.
gnomAD v4.1: 5 of 1,613,240 alleles (0.00031%); highest among the groups gnomAD compares: African/African-American, 0.0027%; no homozygotes.

Submissions (4):

Labcorp Genetics (formerly Invitae), Labcorp
Classification: Pathogenic for Glycine encephalopathy. Last evaluated: 2026-01-18. Review status: criteria provided, single submitter. Criteria: Invitae Variant Classification Sherloc (09022015). Collection method: clinical testing. Allele origin: germline.
Comment: This sequence change replaces histidine, which is basic and polar, with arginine, which is basic and polar, at codon 83 of the AMT protein (p.His83Arg). This variant is not present in population databases (gnomAD no frequency). This missense change has been observed in individual(s) with glycine encephalopathy (PMID: 22532538). ClinVar contains an entry for this variant (Variation ID: 1453668). Invitae Evidence Modeling of protein sequence and biophysical properties (such as structural, functional, and spatial information, amino acid conservation, physicochemical variation, residue mobility, and thermodynamic stability) indicates that this missense variant is expected to disrupt AMT protein function with a positive predictive value of 95%. For these reasons, this variant has been classified as Pathogenic.

Dasa
Classification: Uncertain significance. Last evaluated: 2025-11-27. Review status: criteria provided, single submitter. Criteria: DASA Assertion Criteria. Collection method: clinical testing. Allele origin: germline.
Comment: NM_000481.4(AMT):c.248A>G (p.His83Arg) is a missense variant that results in the substitution of histidine with arginine. The affected residue or protein region has prior evidence supporting clinical relevance. This variant has been reported in individuals with AMT-related disorders (PMID: 22532538). Also, this variant is rare in population databases. Computational prediction algorithms are consistent with a deleterious effect. The currently available literature and clinical evidence are not sufficient to establish a definitive association between this variant and the reported condition. Therefore, this variant is classified as a variant of uncertain significance.

Women's Health and Genetics/Laboratory Corporation of America, LabCorp
Classification: Uncertain significance. Last evaluated: 2025-07-14. Review status: criteria provided, single submitter. Criteria: LabCorp Variant Classification Summary - May 2015. Collection method: clinical testing. Allele origin: germline.
Comment: Variant summary: AMT c.248A>G (p.His83Arg) results in a non-conservative amino acid change in the encoded protein sequence. Algorithms developed to predict the effect of missense changes on protein structure and function all suggest that this variant is likely to be disruptive. The variant was absent in 250964 control chromosomes (gnomAD). c.248A>G has been observed in at least one homozygous individual affected with Glycine Encephalopathy (Non-Ketotic Hyperglycinemia) (Verssimo_2012). These data indicate that the variant may be associated with disease. To our knowledge, no experimental evidence demonstrating an impact on protein function has been reported. The following publications have been ascertained in the context of this evaluation (PMID: 27362913, 22532538). ClinVar contains an entry for this variant (Variation ID: 1453668). Based on the evidence outlined above, the variant was classified as VUS-possibly pathogenic.

Natera, Inc.
Classification: Likely pathogenic for Non-ketotic hyperglycinemia. Last evaluated: 2024-04-25. Review status: criteria provided, single submitter. Criteria: Natera Variant Classification Schema (03/2026). Collection method: clinical testing. Allele origin: germline.
Comment: The c.248A>G variant in AMT is a missense variant predicted to cause substitution of histidine to arginine at amino acid 83. This variant is rare in the general population with a frequency below the threshold expected for the associated phenotype(s). This variant has been observed in one or more individuals affected with the associated recessive disease, as either homozygous or compound heterozygous with a second variant (PMID: 27362913). This variant has been identified in one or more affected individuals with a phenotype highly consistent with the associated gene (PMID: 27362913). Computational prediction algorithms indicate this variant is likely to affect gene or protein function. Given the available evidence, this variant is classified as Likely Pathogenic.

Literature cited by the submitters: PubMed 22532538 (cited by 3 submitters); PubMed 27362913 (cited by Women's Health and Genetics/Laboratory Corporation of America, LabCorp and Natera, Inc.).

NM_000481.4(AMT):c.248A>G (p.His83Arg)

Gene: AMT (aminomethyltransferase; minus strand). Cytogenetic location: 3p21.31.
Variant type: single nucleotide variant.
Coding change: c.248A>G on transcript NM_000481.4 (MANE Select); coding-DNA position 248, A replaced by G.
Protein change: p.His83Arg; replaces histidine 83 with arginine.
Molecular consequence: missense variant. On other transcripts: non-coding transcript variant (1), intron variant (1).
Genome position (GRCh38, 1-based): chr3:49,422,114, T>C on the plus strand (A>G on the coding strand, the complement: AMT is on the minus strand). VCF-style: chr3-49422114-T-C. GRCh37 (hg19) VCF-style: chr3-49459547-T-C.
Other names: c.248A>G (NM_000481.3); c.248A>G, p.His83Arg (NM_001164710.2, NM_001164712.2); c.90+247A>G (NM_001164711.2); short protein forms H83R.
Identifiers: ClinVar variation 1453668 (VCV001453668.12), dbSNP rs1467607949, ClinGen allele CA352791029.
Genomic context (GRCh38, chr3:49,422,114, plus strand): 5'-AAACAGGGAGGAAGGCCTGATCAGATGGCCAGTGTGCTCCCCTGGCTCACCTGCAGCATA[T>C]GAGACACGTCAAAGAGCGAGCAGTGCTGGCGTGTGTGCAGGTGCGAGTCAGTGTGACTGT-3'
Protein context (NP_000472.2, residues 73-93): RQHCSLFDVS[His83Arg]MLQTKILGSD